The following is an entry in ClinVar:

ClinVar aggregate classification (germline): Uncertain significance (1 of 4 stars; one submission).

Allele frequency attached by ClinVar (database versions not stated): TOPMed 0.00001.

Submission:

CeGaT Center for Human Genetics Tuebingen
Classification: Uncertain significance. Last evaluated: 2022-04-01. Review status: criteria provided, single submitter. Criteria: CeGaT Center For Human Genetics Tuebingen Variant Classification Criteria Version 2. Collection method: clinical testing. Allele origin: germline. Affected: yes. Observed: 1 variant allele.
Comment: CDH4: PM2, BP4

NM_001794.5(CDH4):c.57+4A>G

Gene: CDH4 (cadherin 4; plus strand). Cytogenetic location: 20q13.33.
Variant type: single nucleotide variant.
Coding change: c.57+4A>G on transcript NM_001794.5 (MANE Select); 4 bases into the intron after coding-DNA position 57, A replaced by G.
Molecular consequence: intron variant.
Genome position (GRCh38, 1-based): chr20:61,252,574, A>G. VCF-style: chr20-61252574-A-G. GRCh37 (hg19) VCF-style: chr20-59827630-A-G.
Identifiers: ClinVar variation 2652460 (VCV002652460.24), dbSNP rs2084067798, ClinGen allele CA2373646449.
Genomic context (GRCh38, chr20:61,252,574, plus strand): 5'-ATGACCGCGGGCGCCGGCGTGCTCCTTCTGCTGCTCTCGCTCTCCGGCGCGCTCCGGGTA[A>G]GTTGCCGCCTCCCGCCCCCGCCGTTCGGAAGCCCCGGGCAGCGGGAGGTCGTCCCCGGAT-3'